The following is an entry in ClinVar:

NM_001297.5(CNGB1):c.3527C>T (p.Pro1176Leu)

Gene: CNGB1 (cyclic nucleotide gated channel subunit beta 1; minus strand). Cytogenetic location: 16q21.
Variant type: single nucleotide variant.
Coding change: c.3527C>T on transcript NM_001297.5 (MANE Select); coding-DNA position 3527, C replaced by T.
Protein change: p.Pro1176Leu; replaces proline 1176 with leucine.
Molecular consequence: missense variant.
Genome position (GRCh38, 1-based): chr16:57,884,393, G>A on the plus strand (C>T on the coding strand, the complement: CNGB1 is on the minus strand). VCF-style: chr16-57884393-G-A. GRCh37 (hg19) VCF-style: chr16-57918297-G-A.
Other names: c.3509C>T, p.Pro1170Leu (NM_001286130.2); short protein forms P1176L, P1170L.
Identifiers: ClinVar variation 886099 (VCV000886099.14), dbSNP rs73562944, ClinGen allele CA8082515.
Genomic context (GRCh38, chr16:57,884,393, plus strand): 5'-GGAGACCCCGGGGGCTCGGGGGGCGTCCGGGGCGCGGGTGGGTCGGTGGCGGCCTCCTTT[G>A]GGTGCGTGTGCTGGTCTGGGGCGGCGGAGCCTTCCTCTCCCTTGACGTCTTGCGAGCTCT-3'
Protein context (NP_001288.3, residues 1166-1186): GSAAPDQHTH[Pro1176Leu]KEAATDPPAP

ClinVar aggregate classification (germline): Benign/Likely benign. Review status: criteria provided, multiple submitters, no conflicts (2 of 4 stars). 4 submissions from 4 submitters: Benign (1); Likely benign (3). Last evaluated 2026-02-04.

Conditions:
Retinitis pigmentosa 45 (RP45). Identifiers: Orphanet 791, MedGen C3151066, MONDO:0013413, OMIM 613767.
Retinitis pigmentosa (RP). Identifiers: Orphanet 791, MedGen C0035334, MeSH D012174, MONDO:0019200, OMIM 268000. Inheritance: Autosomal dominant, autosomal recessive and X linked inheritance.

Allele frequency attached by ClinVar (database versions not stated): ESP Exome Variant Server 0.01037; 1000 Genomes Project 0.01038; gnomAD 0.01041 and 0.00971; TOPMed 0.01134; 1000 Genomes Project 30x 0.01140; gnomAD exomes 0.00089 and 0.00239; ExAC 0.00293.
gnomAD v4.1: 2,851 of 1,613,240 alleles (0.18%); highest among the groups gnomAD compares: African/African-American, 3.3%; 38 homozygotes.

Submissions (4):

Labcorp Genetics (formerly Invitae), Labcorp
Classification: Benign. Last evaluated: 2026-02-04. Review status: criteria provided, single submitter. Criteria: Invitae Variant Classification Sherloc (09022015). Collection method: clinical testing. Allele origin: germline.

Fulgent Genetics
Classification: Likely benign for Retinitis pigmentosa 45. Last evaluated: 2022-03-31. Review status: criteria provided, single submitter. Criteria: ACMG Guidelines, 2015. Collection method: clinical testing. Allele origin: unknown.

Illumina Laboratory Services, Illumina
Classification: Likely benign for Retinitis pigmentosa. Last evaluated: 2018-01-13. Review status: criteria provided, single submitter. Criteria: ICSL Variant Classification Criteria 13 December 2019. Collection method: clinical testing. Allele origin: germline.
Comment: This variant was observed in the ICSL laboratory as part of a predisposition screen in an ostensibly healthy population. It had not been previously curated by ICSL or reported in the Human Gene Mutation Database (HGMD: prior to June 1st, 2018), and was therefore a candidate for classification through an automated scoring system. Utilizing variant allele frequency, disease prevalence and penetrance estimates, and inheritance mode, an automated score was calculated to assess if this variant is too frequent to cause the disease. Based on the score and internal cut-off values, a variant classified as likely benign is not then subjected to further curation. The score for this variant resulted in a classification of likely benign for this disease.

Breakthrough Genomics
Classification: Likely benign. Review status: criteria provided, single submitter. Criteria: ACMG Guidelines, 2015. Collection method: not provided. Allele origin: germline. Inheritance: Autosomal recessive inheritance. Affected: yes.